The following is an entry in ClinVar:

ClinVar aggregate classification (germline): Uncertain significance (1 of 4 stars; one submission).

Conditions:
Hypertrophic cardiomyopathy. Also called: HYPERTROPHIC MYOCARDIOPATHY. Identifiers: Orphanet 217569, MedGen C0007194, MeSH D002312, MONDO:0005045, HP:0001639.

Submission:

Labcorp Genetics (formerly Invitae), Labcorp
Classification: Uncertain significance for Hypertrophic cardiomyopathy. Last evaluated: 2022-09-24. Review status: criteria provided, single submitter. Criteria: Invitae Variant Classification Sherloc (09022015). Collection method: clinical testing. Allele origin: germline.
Comment: This variant is a gross deletion of the genomic region encompassing exon(s) 7-12 of the MYBPC3 gene. This variant would be expected to be in-frame, preserving the integrity of the reading frame. In summary, the available evidence is currently insufficient to determine the role of this variant in disease. Therefore, it has been classified as a Variant of Uncertain Significance. This variant disrupts a region of the MYBPC3 protein in which other variant(s) (p.Arg346Cys) have been observed in individuals with MYBPC3-related conditions (PMID: 25132132). This suggests that this is a clinically significant region of the protein, and that variants that disrupt it are likely to be disease-causing. Experimental studies and prediction algorithms are not available or were not evaluated, and the functional significance of this variant is currently unknown. This variant has not been reported in the literature in individuals affected with MYBPC3-related conditions.

Literature cited by the submitters: PubMed 25132132.

NC_000011.9:g.(?_47367738)_(47369476_?)del

Gene: MYBPC3 (myosin binding protein C3; minus strand). Cytogenetic location: 11p11.2.
Variant type: Deletion.
Identifiers: ClinVar variation 2422685 (VCV002422685.3).